The following is an entry in ClinVar:

ClinVar aggregate classification (germline): Pathogenic/Likely pathogenic. Review status: criteria provided, multiple submitters, no conflicts (2 of 4 stars). 3 submissions from 3 submitters: Pathogenic (2); Likely pathogenic (1). Last evaluated 2025-03-26.

Conditions:
Baller-Gerold syndrome (BGS). Also called: CRANIOSYNOSTOSIS WITH RADIAL DEFECTS. Identifiers: Orphanet 1225, MedGen C0265308, MONDO:0009039, OMIM 218600.
RECQL4-related spectrum disorders.

Allele frequency attached by ClinVar (database versions not stated): gnomAD 0.00001; TOPMed 0.00001; gnomAD exomes 0.00003; ExAC 0.00005; ESP Exome Variant Server 0.00016.

Submissions (3):

Labcorp Genetics (formerly Invitae), Labcorp
Classification: Likely pathogenic for Baller-Gerold syndrome. Last evaluated: 2025-03-26. Review status: criteria provided, single submitter. Criteria: Invitae Variant Classification Sherloc (09022015). Collection method: clinical testing. Allele origin: germline.
Comment: This sequence change affects a donor splice site in intron 15 of the RECQL4 gene. It is expected to disrupt RNA splicing. Variants that disrupt the donor or acceptor splice site typically lead to a loss of protein function (PMID: 16199547), and loss-of-function variants in RECQL4 are known to be pathogenic (PMID: 12734318, 12952869). This variant is present in population databases (rs373130543, gnomAD 0.02%). Disruption of this splice site has been observed in individual(s) with RECQL4-related conditions (PMID: 31604778, 38348036). ClinVar contains an entry for this variant (Variation ID: 653676). Algorithms developed to predict the effect of sequence changes on RNA splicing suggest that this variant may disrupt the consensus splice site. In summary, the currently available evidence indicates that the variant is pathogenic, but additional data are needed to prove that conclusively. Therefore, this variant has been classified as Likely Pathogenic.

Illumina Laboratory Services, Illumina
Classification: Pathogenic for RECQL4-related spectrum disorders. Last evaluated: 2021-02-11. Review status: criteria provided, single submitter. Criteria: ICSLVariantClassificationCriteria RUGD 01 April 2020. Collection method: clinical testing. Allele origin: unknown.
Comment: The RECQL4 c.2756+1G>A variant occurs in a canonical splice site (donor) and is therefore predicted to disrupt the normal gene product. A literature search was performed for the gene and cDNA change. No publications were found based on this search. The c.2756+1G>A variant is reported at a frequency of 0.000233 in the East Asian population of the Genome Aggregation Database, an allele frequency consistent with an autosomal recessive mode of inheritance. Based on the available evidence and application of the ACMG criteria, the c.2756+1G>A variant is classified as pathogenic for RECQL4-related spectrum disorders.

CeGaT Center for Human Genetics Tuebingen
Classification: Pathogenic. Last evaluated: 2020-03-01. Review status: criteria provided, single submitter. Criteria: CeGaT Center For Human Genetics Tuebingen Variant Classification Criteria Version 2. Collection method: clinical testing. Allele origin: germline. Affected: yes. Observed: 1 variant allele.

Literature cited by the submitters: PubMed 16199547 (cited by Labcorp Genetics (formerly Invitae), Labcorp); PubMed 12734318 (cited by Labcorp Genetics (formerly Invitae), Labcorp); PubMed 12952869 (cited by Labcorp Genetics (formerly Invitae), Labcorp); PubMed 31604778 (cited by Labcorp Genetics (formerly Invitae), Labcorp); PubMed 38348036 (cited by Labcorp Genetics (formerly Invitae), Labcorp).

NM_004260.4(RECQL4):c.2755+1G>A

Gene: RECQL4 (RecQ like helicase 4; minus strand). Cytogenetic location: 8q24.3.
Variant type: single nucleotide variant.
Coding change: c.2755+1G>A on transcript NM_004260.4 (MANE Select); the canonical splice donor site of the intron after coding-DNA position 2755, G replaced by A.
Molecular consequence: splice donor variant. On other transcripts: missense variant (3).
Genome position (GRCh38, 1-based): chr8:144,512,846, C>T on the plus strand (G>A on the coding strand, the complement: RECQL4 is on the minus strand). VCF-style: chr8-144512846-C-T. GRCh37 (hg19) VCF-style: chr8-145738229-C-T.
Other names: c.2557+1G>A (NM_001413018.1); c.2755+1G>A (NM_001413036.1); c.1684+1G>A (NM_001413040.1, NM_001413021.1, NM_001413024.1 and 4 more transcripts); c.1288+1G>A (NM_001413043.1); c.1486+1G>A (NM_001413031.1, NM_001413038.1); c.1618+1G>A (NM_001413030.1, NM_001413032.1, NM_001413027.1); c.1654+1G>A (NM_001413042.1); c.1552+1G>A (NM_001413037.1); and 9 more; short protein forms G540D, G562D, G919D.
Identifiers: ClinVar variation 653676 (VCV000653676.50), dbSNP rs373130543, ClinGen allele CA4948121.
Genomic context (GRCh38, chr8:144,512,846, plus strand): 5'-GGGCTCAGCGGACGCGGGGACAGCCCCTCCACACCCCTGTGGCTTACCCCAGGTTCCTCA[C>T]CCTCCTCCGGCATGTCCAAAGCCTGTACGGTAAGCTGTATTGGGAGTGCCCGCTCATGGC-3'